The following is an entry in ClinVar:

ClinVar aggregate classification (germline): Uncertain significance (1 of 4 stars; one submission).

Conditions:
Cardiomyopathy (CMYO). Also called: Cardiomyopathies. Identifiers: Orphanet 167848, MedGen C0878544, MONDO:0004994, HP:0001638. Inheritance: Various modes of inheritance.

Submission:

All of Us Research Program, National Institutes of Health
Classification: Uncertain significance for Cardiomyopathy. Last evaluated: 2023-05-08. Review status: criteria provided, single submitter. Criteria: ACMG Guidelines, 2015. Collection method: clinical testing. Allele origin: germline. Inheritance: Autosomal dominant inheritance. Observed: 1 variant allele, 1 heterozygote.
Comment: This study involves interpretation of variants in research participants for the purpose of population health screening. Participant phenotype was not available at the time of variant classification. Additional details can be found in publication PMID: 35346344, PMCID: PMC8962531

NM_000257.4(MYH7):c.3281T>C (p.Ile1094Thr)

Gene: MYH7 (myosin heavy chain 7; minus strand). Cytogenetic location: 14q11.2.
Variant type: single nucleotide variant.
Coding change: c.3281T>C on transcript NM_000257.4 (MANE Select); coding-DNA position 3281, T replaced by C.
Protein change: p.Ile1094Thr; replaces isoleucine 1094 with threonine.
Molecular consequence: missense variant.
Genome position (GRCh38, 1-based): chr14:23,421,013, A>G on the plus strand (T>C on the coding strand, the complement: MYH7 is on the minus strand). VCF-style: chr14-23421013-A-G. GRCh37 (hg19) VCF-style: chr14-23890222-A-G.
Other names: c.3281T>C, p.Ile1094Thr (NM_001407004.1); short protein forms I1094T.
Identifiers: ClinVar variation 3070918 (VCV003070918.1), dbSNP rs2502268102, ClinGen allele CA389044475.
Genomic context (GRCh38, chr14:23,421,013, plus strand): 5'-CTCACCTGAAGCTCCTTGAGCTTCTTCTGCAGCTGGCTGCCGAGGGCCTGTTCATCCTCA[A>G]TCCTTGCGTTGAGAGCATTCAGCTCAAAGTCTTTTCTGTGGGGAAGGAGGGATGGTGAGG-3'
Protein context (NP_000248.2, residues 1084-1104): DFELNALNAR[Ile1094Thr]EDEQALGSQL